The following is an entry in ClinVar:

NM_000257.4(MYH7):c.789del (p.Ile263fs)

Gene: MYH7 (myosin heavy chain 7; minus strand). Cytogenetic location: 14q11.2.
Variant type: Deletion.
Coding change: c.789del on transcript NM_000257.4 (MANE Select); coding-DNA position 789, one base deleted (A; older notation c.789delA).
Protein change: p.Ile263fs; shifts the reading frame from isoleucine 263.
Molecular consequence: frameshift variant.
Genome position (GRCh38, 1-based): chr14:23,431,425, T deleted on the plus strand (A on the coding strand, the reverse complement: MYH7 is on the minus strand). VCF-style (leftmost placement, unchanged base first): chr14-23431424-CT-C. GRCh37 (hg19) VCF-style: chr14-23900633-CT-C.
Other names: c.789del, p.Ile263fs (NM_001407004.1); c.789delA (NM_000257.4); short protein forms I263fs.
Identifiers: ClinVar variation 4726552 (VCV004726552.2).

ClinVar aggregate classification (germline): Uncertain significance. Review status: criteria provided, multiple submitters, no conflicts (2 of 4 stars). 2 submissions from 2 submitters: Uncertain significance (2). Last evaluated 2026-01-26.

Conditions:
Cardiovascular phenotype. Identifiers: MedGen CN230736.
Hypertrophic cardiomyopathy. Also called: HYPERTROPHIC MYOCARDIOPATHY. Identifiers: Orphanet 217569, MedGen C0007194, MeSH D002312, MONDO:0005045, HP:0001639.

Submissions (2):

Labcorp Genetics (formerly Invitae), Labcorp
Classification: Uncertain significance for Hypertrophic cardiomyopathy. Last evaluated: 2026-01-26. Review status: criteria provided, single submitter. Criteria: Invitae Variant Classification Sherloc (09022015). Collection method: clinical testing. Allele origin: germline.
Comment: This sequence change creates a premature translational stop signal (p.Ile263Metfs*15) in the MYH7 gene. It is expected to result in an absent or disrupted protein product. However, the current clinical and genetic evidence is not sufficient to establish whether loss-of-function variants in MYH7 cause disease. This variant is not present in population databases (gnomAD no frequency). This variant has not been reported in the literature in individuals affected with MYH7-related conditions. In summary, the available evidence is currently insufficient to determine the role of this variant in disease. Therefore, it has been classified as a Variant of Uncertain Significance.

Ambry Genetics
Classification: Uncertain significance for Cardiovascular phenotype. Last evaluated: 2025-12-16. Review status: criteria provided, single submitter. Criteria: Ambry Variant Classification Scheme 2023. Collection method: clinical testing. Allele origin: germline.
Comment: The c.789delA variant, located in coding exon 7 of the MYH7 gene, results from a deletion of one nucleotide at nucleotide position 789, causing a translational frameshift with a predicted alternate stop codon (p.I263Mfs*15). This alteration is expected to result in protein truncation or nonsense-mediated mRNA decay. However, loss of function has not been established as a mechanism of disease. Based on the available evidence, the clinical significance of this alteration remains unclear.